The following is an entry in ClinVar:

NM_000051.4(ATM):c.3563A>C (p.His1188Pro)

Gene: ATM (ATM serine/threonine kinase; plus strand). Cytogenetic location: 11q22.3.
Variant type: single nucleotide variant.
Coding change: c.3563A>C on transcript NM_000051.4 (MANE Select); coding-DNA position 3563, A replaced by C.
Protein change: p.His1188Pro; replaces histidine 1188 with proline.
Molecular consequence: missense variant.
Genome position (GRCh38, 1-based): chr11:108,281,155, A>C. VCF-style: chr11-108281155-A-C. GRCh37 (hg19) VCF-style: chr11-108151882-A-C.
Other names: c.3563A>C, p.His1188Pro (NM_001351834.2); short protein forms H1188P.
Identifiers: ClinVar variation 489534 (VCV000489534.16), dbSNP rs12786960, ClinGen allele CA6265308.
Genomic context (GRCh38, chr11:108,281,155, plus strand): 5'-GCGAAAAACAGGCTTTGTTTGCCCTGTGTAAATCTGTGAAAGAGAATGGATTAGAACCTC[A>C]CCTTGTGAAAAAGGTATATATGGATGAGTATTTTATTAGAAGCTTCCTTAGGTCACTGTG-3'
Protein context (NP_000042.3, residues 1178-1198): KSVKENGLEP[His1188Pro]LVKKVLEKVS

ClinVar aggregate classification (germline): Uncertain significance. Review status: criteria provided, multiple submitters, no conflicts (2 of 4 stars). 4 submissions from 4 submitters: Uncertain significance (4). Last evaluated 2025-10-19.

Conditions:
Hereditary cancer-predisposing syndrome. Also called: Tumor predisposition; Neoplastic Syndromes, Hereditary; Hereditary Cancer Syndrome; Hereditary neoplastic syndrome. Identifiers: Orphanet 140162, MedGen C0027672, MeSH D009386, MONDO:0015356.
Ataxia-telangiectasia syndrome (AT). Also called: Ataxia-telangiectasia; Ataxia-telangiectasia, complementation group D; AT, COMPLEMENTATION GROUP C; LOUIS-BAR SYNDROME; Cerebello-oculocutaneous telangiectasia; Immunodeficiency with ataxia telangiectasia. Identifiers: Orphanet 100, MedGen C0004135, MONDO:0008840, OMIM 208900.

Allele frequency attached by ClinVar (database versions not stated): gnomAD exomes below 0.00001; ExAC 0.00001.
gnomAD v4.1: 1 of 1,613,910 alleles (0.000062%); highest among the groups gnomAD compares: Non-Finnish European, 0.000085%; no homozygotes.

Submissions (4):

Labcorp Genetics (formerly Invitae), Labcorp
Classification: Uncertain significance for Ataxia-telangiectasia syndrome. Last evaluated: 2025-10-19. Review status: criteria provided, single submitter. Criteria: Invitae Variant Classification Sherloc (09022015). Collection method: clinical testing. Allele origin: germline.
Comment: This sequence change replaces histidine, which is basic and polar, with proline, which is neutral and non-polar, at codon 1188 of the ATM protein (p.His1188Pro). This variant is present in population databases (rs12786960, gnomAD 0.0009%). This variant has not been reported in the literature in individuals affected with ATM-related conditions. ClinVar contains an entry for this variant (Variation ID: 489534). Invitae Evidence Modeling of protein sequence and biophysical properties (such as structural, functional, and spatial information, amino acid conservation, physicochemical variation, residue mobility, and thermodynamic stability) indicates that this missense variant is not expected to disrupt ATM protein function with a negative predictive value of 95%. In summary, the available evidence is currently insufficient to determine the role of this variant in disease. Therefore, it has been classified as a Variant of Uncertain Significance.

Quest Diagnostics Nichols Institute San Juan Capistrano
Classification: Uncertain significance. Last evaluated: 2025-05-08. Review status: criteria provided, single submitter. Criteria: Quest Diagnostics criteria. Collection method: clinical testing. Allele origin: unknown.

Ambry Genetics
Classification: Uncertain significance for Hereditary cancer-predisposing syndrome. Last evaluated: 2025-04-10. Review status: criteria provided, single submitter. Criteria: Ambry Variant Classification Scheme 2023. Collection method: clinical testing. Allele origin: germline.
Comment: The p.H1188P variant (also known as c.3563A>C), located in coding exon 23 of the ATM gene, results from an A to C substitution at nucleotide position 3563. The histidine at codon 1188 is replaced by proline, an amino acid with similar properties. This amino acid position is not well conserved in available vertebrate species. In addition, this alteration is predicted to be tolerated by in silico analysis. Since supporting evidence is limited at this time, the clinical significance of this alteration remains unclear.

Color Diagnostics, LLC DBA Color Health
Classification: Uncertain significance for Hereditary cancer-predisposing syndrome. Last evaluated: 2019-03-27. Review status: criteria provided, single submitter. Criteria: ACMG Guidelines, 2015. Collection method: clinical testing. Allele origin: germline.